The following is an entry in ClinVar:

NM_007194.4(CHEK2):c.1543-2A>T

Gene: CHEK2 (checkpoint kinase 2; minus strand). Cytogenetic location: 22q12.1.
Variant type: single nucleotide variant.
Coding change: c.1543-2A>T on transcript NM_007194.4 (MANE Select); the canonical splice acceptor site of the intron before coding-DNA position 1543, A replaced by T.
Molecular consequence: splice acceptor variant.
Genome position (GRCh38, 1-based): chr22:28,687,988, T>A on the plus strand (A>T on the coding strand, the complement: CHEK2 is on the minus strand). VCF-style: chr22-28687988-T-A. GRCh37 (hg19) VCF-style: chr22-29083976-T-A.
Other names: c.880-2A>T (NM_001437942.1, NM_001257387.3); c.1342-2A>T (NM_001349956.3); c.1456-2A>T (NM_145862.3); c.1549-2A>T (NM_001438295.1); c.1636-2A>T (NM_001438293.1); c.1585-2A>T (NM_001438294.1); c.1672-2A>T (NM_001005735.3).
Identifiers: ClinVar variation 3648390 (VCV003648390.2).
Genomic context (GRCh38, chr22:28,687,988, plus strand): 5'-TTTGTGGTCTCGGCACCCTCGGCTTCCCCTTCACGGGGCCGCTTTCGACTAGTAGAAGGC[T>A]GAAAATAAAGGAAAATGGAGAAATGTTCAAAAGAAAATCACTGGCTTCTTTAAGATTATC-3'

ClinVar aggregate classification (germline): Likely pathogenic (1 of 4 stars; one submission).

Conditions:
Familial cancer of breast. Also called: hereditary breast carcinoma; BREAST CANCER, FAMILIAL; Hereditary breast cancer. Identifiers: Orphanet 227535, MedGen C0346153, MONDO:0016419, OMIM 114480. Disease mechanism: loss of function.

Submission:

Labcorp Genetics (formerly Invitae), Labcorp
Classification: Likely pathogenic for Familial cancer of breast. Last evaluated: 2024-04-02. Review status: criteria provided, single submitter. Criteria: Invitae Variant Classification Sherloc (09022015). Collection method: clinical testing. Allele origin: germline.
Comment: This sequence change affects an acceptor splice site in intron 14 of the CHEK2 gene. RNA analysis indicates that disruption of this splice site induces altered splicing and likely disrupts the C-terminus of the protein. This variant is not present in population databases (gnomAD no frequency). This variant has not been reported in the literature in individuals affected with CHEK2-related conditions. Variants that disrupt the consensus splice site are a relatively common cause of aberrant splicing (PMID: 17576681, 9536098). Studies have shown that disruption of this splice site results in skipping of exon 15 and activation of a cryptic splice site and introduces a new termination codon (Invitae). However the mRNA is not expected to undergo nonsense-mediated decay. This variant disrupts the nuclear localization signal (NLS) of the CHEK2 protein, which is critical for proper nuclear localization (PMID: 18004398, 12909615). While functional studies have not been performed to directly test the effect of this variant on CHEK2 protein function, this suggests that disruption of this region of the protein is causative of disease. In summary, the currently available evidence indicates that the variant is pathogenic, but additional data are needed to prove that conclusively. Therefore, this variant has been classified as Likely Pathogenic.

Literature cited by the submitters: PubMed 17576681; PubMed 9536098; PubMed 18004398; PubMed 12909615.